The following is an entry in ClinVar:

NM_024649.5(BBS1):c.895C>T (p.His299Tyr)

Genes: BBS1 (Bardet-Biedl syndrome 1; plus strand), ZDHHC24 (zDHHC palmitoyltransferase 24; minus strand). Cytogenetic location: 11q13.2.
Variant type: single nucleotide variant.
Coding change: c.895C>T on transcript NM_024649.5 (MANE Select); coding-DNA position 895, C replaced by T.
Protein change: p.His299Tyr; replaces histidine 299 with tyrosine.
Molecular consequence: missense variant. On other transcripts: intron variant (1).
Genome position (GRCh38, 1-based): chr11:66,523,520, C>T. VCF-style: chr11-66523520-C-T. GRCh37 (hg19) VCF-style: chr11-66290991-C-T.
Other names: c.*22-2054G>A (NM_001348571.2); short protein forms H299Y.
Identifiers: ClinVar variation 4994548 (VCV004994548.1).

ClinVar aggregate classification (germline): Uncertain significance (1 of 4 stars; one submission).

Conditions:
BBS1-related disorder. Also called: BBS1-related condition.

Submission:

PreventionGenetics, part of Exact Sciences
Classification: Uncertain significance for BBS1-related condition. Last evaluated: 2026-03-16. Review status: criteria provided, single submitter. Criteria: ACMG Guidelines, 2015. Collection method: clinical testing. Allele origin: germline.
Comment: The BBS1 c.895C>T variant is predicted to result in the amino acid substitution p.His299Tyr. To our knowledge, this variant has not been reported in the literature or in a large population database (gnomAD), indicating this variant is rare. At this time, the clinical significance of this variant is uncertain due to the absence of conclusive functional and genetic evidence.